The following is an entry in ClinVar:

ClinVar aggregate classification (germline): Conflicting classifications of pathogenicity. Review status: criteria provided, conflicting classifications (1 of 4 stars). 6 submissions from 2 submitters: Uncertain significance (2); Likely benign (4). Last evaluated 2021-05-19.

Conditions:
Achondrogenesis, type IB (ACG1B). Also called: Achondrogenesis Type 1B. Identifiers: Orphanet 932, Orphanet 93298, MedGen C0265274, MONDO:0010966, OMIM 600972.
Sulfate transporter-related osteochondrodysplasia. Also called: DTDST-related dysplasias. Identifiers: MedGen CN120497. Disease mechanism: loss of function.
Atelosteogenesis type II (AO2). Also called: NEONATAL OSSEOUS DYSPLASIA I; Neonatal osseous dysplasia 1; SLC26A2-Related Atelosteogenesis. Identifiers: Orphanet 56304, MedGen C1850554, MONDO:0009727, OMIM 256050.
Diastrophic dysplasia (DTD). Also called: Diastrophic dwarfism. Identifiers: Orphanet 628, MedGen C0220726, MONDO:0009107, OMIM 222600.
Multiple epiphyseal dysplasia type 4 (EDM4). Also called: MULTIPLE EPIPHYSEAL DYSPLASIA WITH BILAYERED PATELLAE; MULTIPLE EPIPHYSEAL DYSPLASIA WITH CLUBFOOT; MULTIPLE EPIPHYSEAL DYSPLASIA, AUTOSOMAL RECESSIVE; SLC26A2-Related Multiple Epiphyseal Dysplasia; Multiple Epiphyseal Dysplasia, Recessive. Identifiers: Orphanet 93307, MedGen C1847593, MONDO:0009189, OMIM 226900.

Allele frequency attached by ClinVar (database versions not stated): 1000 Genomes Project 0.00599; 1000 Genomes Project 30x 0.00625; gnomAD 0.01173 and 0.01211; TOPMed 0.01237.

Submissions (6):

GeneDx
Classification: Likely benign. Last evaluated: 2021-05-19. Review status: criteria provided, single submitter. Criteria: GeneDx Variant Classification Process June 2021. Collection method: clinical testing. Allele origin: germline. Affected: yes.

Illumina Laboratory Services, Illumina
Classification: Uncertain significance for Osteochondrodysplasia. Last evaluated: 2018-01-12. Review status: criteria provided, single submitter. Criteria: ICSL Variant Classification Criteria 13 December 2019. Collection method: clinical testing. Allele origin: germline.

Illumina Laboratory Services, Illumina
Classification: Likely benign for Atelosteogenesis type II. Last evaluated: 2018-01-12. Review status: criteria provided, single submitter. Criteria: ICSL Variant Classification Criteria 13 December 2019. Collection method: clinical testing. Allele origin: germline.
Comment: This variant was observed in the ICSL laboratory as part of a predisposition screen in an ostensibly healthy population. It had not been previously curated by ICSL or reported in the Human Gene Mutation Database (HGMD: prior to June 1st, 2018), and was therefore a candidate for classification through an automated scoring system. Utilizing variant allele frequency, disease prevalence and penetrance estimates, and inheritance mode, an automated score was calculated to assess if this variant is too frequent to cause the disease. Based on the score and internal cut-off values, a variant classified as likely benign is not then subjected to further curation. The score for this variant resulted in a classification of likely benign for this disease.

Illumina Laboratory Services, Illumina
Classification: Likely benign for Diastrophic dysplasia. Last evaluated: 2018-01-12. Review status: criteria provided, single submitter. Criteria: ICSL Variant Classification Criteria 13 December 2019. Collection method: clinical testing. Allele origin: germline.
Comment: the same text as in the submission from Illumina Laboratory Services, Illumina above.

Illumina Laboratory Services, Illumina
Classification: Likely benign for Achondrogenesis, type IB. Last evaluated: 2018-01-12. Review status: criteria provided, single submitter. Criteria: ICSL Variant Classification Criteria 13 December 2019. Collection method: clinical testing. Allele origin: germline.
Comment: the same text as in the submission from Illumina Laboratory Services, Illumina above.

Illumina Laboratory Services, Illumina
Classification: Uncertain significance for Multiple epiphyseal dysplasia type 4. Last evaluated: 2018-01-12. Review status: criteria provided, single submitter. Criteria: ICSL Variant Classification Criteria 13 December 2019. Collection method: clinical testing. Allele origin: germline.

NM_000112.4(SLC26A2):c.*4799G>A

Gene: SLC26A2 (solute carrier family 26 member 2; plus strand). Cytogenetic location: 5q32.
Variant type: single nucleotide variant.
Coding change: c.*4799G>A on transcript NM_000112.4 (MANE Select); 4799 bases downstream of the stop codon, G replaced by A.
Molecular consequence: 3 prime UTR variant.
Genome position (GRCh38, 1-based): chr5:149,986,612, G>A. VCF-style: chr5-149986612-G-A. GRCh37 (hg19) VCF-style: chr5-149366175-G-A.
Identifiers: ClinVar variation 352092 (VCV000352092.6), dbSNP rs72832119, ClinGen allele CA10619694.